The following is an entry in ClinVar:

ClinVar aggregate classification (germline): Likely benign (1 of 4 stars; one submission).

gnomAD v4.1: 310 of 139,406 alleles (0.22%); highest among the groups gnomAD compares: East Asian, 0.71%; no homozygotes.

Submission:

GeneDx
Classification: Likely benign. Last evaluated: 2019-09-20. Review status: criteria provided, single submitter. Criteria: GeneDx Variant Classification Process June 2021. Collection method: clinical testing. Allele origin: germline. Affected: yes.
Comment: See Variant Classification Assertion Criteria.

NM_000693.4(ALDH1A3):c.205-222C>G

Gene: ALDH1A3 (aldehyde dehydrogenase 1 family member A3; plus strand). Cytogenetic location: 15q26.3.
Variant type: single nucleotide variant.
Coding change: c.205-222C>G on transcript NM_000693.4 (MANE Select); 222 bases into the intron before coding-DNA position 205, C replaced by G.
Molecular consequence: intron variant.
Genome position (GRCh38, 1-based): chr15:100,887,350, C>G. VCF-style: chr15-100887350-C-G. GRCh37 (hg19) VCF-style: chr15-101427555-C-G.
Other names: c.205-222C>G (NM_001293815.2).
Identifiers: ClinVar variation 4813931 (VCV004813931.1).